The following is an entry in ClinVar:

ClinVar aggregate classification (germline): Uncertain significance (1 of 4 stars; one submission).

gnomAD v4.1: 1 of 1,612,548 alleles (0.000062%); highest among the groups gnomAD compares: Non-Finnish European, 0.000085%; no homozygotes.

Submission:

GeneDx
Classification: Uncertain significance. Last evaluated: 2024-07-13. Review status: criteria provided, single submitter. Criteria: GeneDx Variant Classification Process June 2021. Collection method: clinical testing. Allele origin: germline. Affected: yes.
Comment: Not observed at significant frequency in large population cohorts (gnomAD); Canonical splice site variant in a gene or region of a gene for which loss of function is not a well-established mechanism of disease; Has not been previously published as pathogenic or benign to our knowledge

NM_004621.6(TRPC6):c.946-2A>G

Gene: TRPC6 (transient receptor potential cation channel subfamily C member 6; minus strand). Cytogenetic location: 11q22.1.
Variant type: single nucleotide variant.
Coding change: c.946-2A>G on transcript NM_004621.6 (MANE Select); the canonical splice acceptor site of the intron before coding-DNA position 946, A replaced by G.
Molecular consequence: splice acceptor variant.
Genome position (GRCh38, 1-based): chr11:101,491,740, T>C on the plus strand (A>G on the coding strand, the complement: TRPC6 is on the minus strand). VCF-style: chr11-101491740-T-C. GRCh37 (hg19) VCF-style: chr11-101362471-T-C.
Identifiers: ClinVar variation 3572448 (VCV003572448.1).
Genomic context (GRCh38, chr11:101,491,740, plus strand): 5'-AGATCAAGGAGTCCAACAACAAAGTCTTTGCACTGCATTGACAGTTTTTTGTAGTCATTC[T>C]AGGAAAAACAAAGCAAAACAAAAGCAATAATGGAGAATACCACGTTTTACTATGCTTCAG-3'